The following is an entry in ClinVar:

NM_015202.5(KATNIP):c.3602C>T (p.Thr1201Met)

Gene: KATNIP (katanin interacting protein; plus strand). Cytogenetic location: 16p12.1.
Variant type: single nucleotide variant.
Coding change: c.3602C>T on transcript NM_015202.5 (MANE Select); coding-DNA position 3602, C replaced by T.
Protein change: p.Thr1201Met; replaces threonine 1201 with methionine.
Molecular consequence: missense variant.
Genome position (GRCh38, 1-based): chr16:27,754,222, C>T. VCF-style: chr16-27754222-C-T. GRCh37 (hg19) VCF-style: chr16-27765543-C-T.
Other names: c.3602C>T (NM_015202.2, NM_015202.3); short protein forms T1201M.
Identifiers: ClinVar variation 2887995 (VCV002887995.5), dbSNP rs754317109, ClinGen allele CA7978319.

ClinVar aggregate classification (germline): Uncertain significance. Review status: criteria provided, multiple submitters, no conflicts (2 of 4 stars). 4 submissions from 4 submitters: Uncertain significance (4). Last evaluated 2025-02-27.

Allele frequency attached by ClinVar (database versions not stated): ExAC 0.00001; gnomAD exomes 0.00003.
gnomAD v4.1: 52 of 1,614,062 alleles (0.0032%); highest among the groups gnomAD compares: African/African-American, 0.0067%; no homozygotes.

Submissions (4):

Labcorp Genetics (formerly Invitae), Labcorp
Classification: Uncertain significance. Last evaluated: 2025-02-27. Review status: criteria provided, single submitter. Criteria: Invitae Variant Classification Sherloc (09022015). Collection method: clinical testing. Allele origin: germline.
Comment: This sequence change replaces threonine, which is neutral and polar, with methionine, which is neutral and non-polar, at codon 1201 of the KIAA0556 protein (p.Thr1201Met). This variant is present in population databases (rs754317109, gnomAD 0.02%). This variant has not been reported in the literature in individuals affected with KIAA0556-related conditions. ClinVar contains an entry for this variant (Variation ID: 2887995). An algorithm developed to predict the effect of missense changes on protein structure and function (PolyPhen-2) suggests that this variant is likely to be disruptive. In summary, the available evidence is currently insufficient to determine the role of this variant in disease. Therefore, it has been classified as a Variant of Uncertain Significance.

GeneDx
Classification: Uncertain significance. Last evaluated: 2024-05-29. Review status: criteria provided, single submitter. Criteria: GeneDx Variant Classification Process June 2021. Collection method: clinical testing. Allele origin: germline. Affected: yes.
Comment: In silico analysis indicates that this missense variant does not alter protein structure/function; Has not been previously published as pathogenic or benign to our knowledge

Blueprint Genetics
Classification: Uncertain significance. Last evaluated: 2022-06-16. Review status: criteria provided, single submitter. Criteria: ACMG Guidelines, 2015. Collection method: clinical testing. Allele origin: germline.

Ambry Genetics
Classification: Uncertain significance. Last evaluated: 2021-11-09. Review status: criteria provided, single submitter. Criteria: Ambry Variant Classification Scheme 2023. Collection method: clinical testing. Allele origin: germline.